The following is an entry in ClinVar:

NM_001282531.3(ADNP):c.3247G>C (p.Gly1083Arg)

Gene: ADNP (activity dependent neuroprotector homeobox; minus strand). Cytogenetic location: 20q13.13.
Variant type: single nucleotide variant.
Coding change: c.3247G>C on transcript NM_001282531.3 (MANE Select); coding-DNA position 3247, G replaced by C.
Protein change: p.Gly1083Arg; replaces glycine 1083 with arginine.
Molecular consequence: missense variant.
Genome position (GRCh38, 1-based): chr20:50,891,467, C>G on the plus strand (G>C on the coding strand, the complement: ADNP is on the minus strand). VCF-style: chr20-50891467-C-G. GRCh37 (hg19) VCF-style: chr20-49508004-C-G.
Other names: c.3247G>C, p.Gly1083Arg (NM_001282532.2, NM_001347511.2, NM_015339.5 and 1 more transcripts); short protein forms G1083R.
Identifiers: ClinVar variation 3371960 (VCV003371960.1).

ClinVar aggregate classification (germline): Uncertain significance (1 of 4 stars; one submission).

Submission:

GeneDx
Classification: Uncertain significance. Last evaluated: 2024-04-04. Review status: criteria provided, single submitter. Criteria: GeneDx Variant Classification Process June 2021. Collection method: clinical testing. Allele origin: germline. Affected: yes.
Comment: Not observed at significant frequency in large population cohorts (gnomAD); In silico analysis indicates that this missense variant does not alter protein structure/function; Has not been previously published as pathogenic or benign to our knowledge